The following is an entry in ClinVar:

ClinVar aggregate classification (germline): Uncertain significance (1 of 4 stars; one submission).

Conditions:
Hereditary pancreatitis (PCTT). Also called: Hereditary chronic pancreatitis; PRSS1-Related Hereditary Pancreatitis. Identifiers: Orphanet 676, MedGen C0238339, MONDO:0008185, OMIM 167800.

gnomAD v4.1: 1 of 1,614,164 alleles (0.000062%); no homozygotes.

Submission:

Ambry Genetics
Classification: Uncertain significance for Hereditary pancreatitis. Last evaluated: 2024-01-30. Review status: criteria provided, single submitter. Criteria: Ambry Variant Classification Scheme 2023. Collection method: clinical testing. Allele origin: germline.
Comment: The p.E157D variant (also known as c.471G>C), located in coding exon 4 of the PRSS1 gene, results from a G to C substitution at nucleotide position 471. The glutamic acid at codon 157 is replaced by aspartic acid, an amino acid with highly similar properties. This amino acid position is conserved. In addition, this alteration is predicted to be tolerated by in silico analysis. Based on the available evidence, the clinical significance of this alteration remains unclear.

NM_002769.5(PRSS1):c.471G>C (p.Glu157Asp)

Genes: PRSS1 (serine protease 1; plus strand), TRB (T cell receptor beta locus; plus strand). Cytogenetic location: 7q34.
Variant type: single nucleotide variant.
Coding change: c.471G>C on transcript NM_002769.5 (MANE Select); coding-DNA position 471, G replaced by C.
Protein change: p.Glu157Asp; replaces glutamic acid 157 with aspartic acid.
Molecular consequence: missense variant. On other transcripts: non-coding transcript variant (5).
Genome position (GRCh38, 1-based): chr7:142,752,447, G>C. VCF-style: chr7-142752447-G-C. GRCh37 (hg19) VCF-style: chr7-142460298-G-C.
Other names: short protein forms E157D.
Identifiers: ClinVar variation 3222812 (VCV003222812.1), dbSNP rs2485761644, ClinGen allele CA369609431.
Genomic context (GRCh38, chr7:142,752,447, plus strand): 5'-GACCCACATTTCTACTTCCTTTGATCTCTTCCTGATCCTCACAGCCGACTACCCAGACGA[G>C]CTGCAGTGCCTGGATGCTCCTGTGCTGAGCCAGGCTAAGTGTGAAGCCTCCTACCCTGGA-3'
Protein context (NP_002760.1, residues 147-167): TASSGADYPD[Glu157Asp]LQCLDAPVLS